The following is an entry in ClinVar:

NM_000368.5(TSC1):c.2102A>G (p.Gln701Arg)

Gene: TSC1 (TSC complex subunit 1; minus strand). Cytogenetic location: 9q34.13.
Variant type: single nucleotide variant.
Coding change: c.2102A>G on transcript NM_000368.5 (MANE Select); coding-DNA position 2102, A replaced by G.
Protein change: p.Gln701Arg; replaces glutamine 701 with arginine.
Molecular consequence: missense variant. On other transcripts: non-coding transcript variant (4).
Genome position (GRCh38, 1-based): chr9:132,903,757, T>C on the plus strand (A>G on the coding strand, the complement: TSC1 is on the minus strand). VCF-style: chr9-132903757-T-C. GRCh37 (hg19) VCF-style: chr9-135779144-T-C.
Other names: c.2099A>G, p.Gln700Arg (NM_001162426.2, NM_001406597.1, NM_001406598.1 and 4 more transcripts); c.1949A>G, p.Gln650Arg (NM_001162427.2, NM_001406610.1); c.1739A>G, p.Gln580Arg (NM_001362177.2, NM_001406614.1, NM_001406615.1 and 5 more transcripts); c.2102A>G, p.Gln701Arg (NM_001406592.1, NM_001406593.1, NM_001406594.1 and 5 more transcripts); c.1946A>G, p.Gln649Arg (NM_001406611.1, NM_001406612.1, NM_001406613.1); c.1148A>G, p.Gln383Arg (NM_001406628.1, NM_001406627.1); c.1049A>G, p.Gln350Arg (NM_001406629.1, NM_001406630.1); c.2087A>G, p.Gln696Arg (NM_001406601.1, NM_001406602.1); and 3 more; short protein forms Q350R, Q383R, Q384R, Q579R, Q580R, Q649R, Q650R, Q695R.
Identifiers: ClinVar variation 2679302 (VCV002679302.2), dbSNP rs2538655833, ClinGen allele CA375361049.

ClinVar aggregate classification (germline): Uncertain significance. Review status: criteria provided, multiple submitters, no conflicts (2 of 4 stars). 2 submissions from 2 submitters: Uncertain significance (2). Last evaluated 2026-05-06.

Conditions:
Hereditary cancer-predisposing syndrome. Also called: Tumor predisposition; Hereditary neoplastic syndrome; Neoplastic Syndromes, Hereditary; Hereditary Cancer Syndrome. Identifiers: Orphanet 140162, MedGen C0027672, MeSH D009386, MONDO:0015356.
Isolated focal cortical dysplasia type II (FCORD2). Also called: CORTICAL DYSPLASIA OF TAYLOR; Focal cortical dysplasia type II. Identifiers: Orphanet 268994, MedGen C1846385, MONDO:0011818, OMIM 607341, HP:0032051.

Submissions (2):

Ambry Genetics
Classification: Uncertain significance for Hereditary cancer-predisposing syndrome. Last evaluated: 2026-05-06. Review status: criteria provided, single submitter. Criteria: Ambry Variant Classification Scheme 2023. Collection method: clinical testing. Allele origin: germline.
Comment: The p.Q701R variant (also known as c.2102A>G), located in coding exon 15 of the TSC1 gene, results from an A to G substitution at nucleotide position 2102. The glutamine at codon 701 is replaced by arginine, an amino acid with highly similar properties. This amino acid position is highly conserved in available vertebrate species. In addition, this alteration is predicted to be deleterious by in silico analysis. Based on the available evidence, the clinical significance of this variant remains unclear.

Baylor Genetics
Classification: Uncertain significance for Isolated focal cortical dysplasia type II. Last evaluated: 2023-10-15. Review status: criteria provided, single submitter. Criteria: ACMG Guidelines, 2015. Collection method: clinical testing. Allele origin: unknown.